The following is an entry in ClinVar:

ClinVar aggregate classification (germline): Uncertain significance. Review status: criteria provided, multiple submitters, no conflicts (2 of 4 stars). 3 submissions from 3 submitters: Uncertain significance (3). Last evaluated 2024-08-08.

Conditions:
Hereditary cancer-predisposing syndrome. Also called: Hereditary Cancer Syndrome; Neoplastic Syndromes, Hereditary; Hereditary neoplastic syndrome; Tumor predisposition. Identifiers: Orphanet 140162, MedGen C0027672, MeSH D009386, MONDO:0015356.
Tuberous sclerosis syndrome (TSC). Also called: Tuberous Sclerosis Complex; Tuberous sclerosis. Identifiers: Orphanet 805, MedGen C0041341, MONDO:0001734.
Tuberous sclerosis 2 (TSC2). Identifiers: Orphanet 805, MedGen C1860707, MONDO:0013199, OMIM 613254.

Submissions (3):

Ambry Genetics
Classification: Uncertain significance for Hereditary cancer-predisposing syndrome. Last evaluated: 2024-08-08. Review status: criteria provided, single submitter. Criteria: Ambry Variant Classification Scheme 2023. Collection method: clinical testing. Allele origin: germline.
Comment: The p.D396H variant (also known as c.1186G>C), located in coding exon 11 of the TSC2 gene, results from a G to C substitution at nucleotide position 1186. The aspartic acid at codon 396 is replaced by histidine, an amino acid with similar properties. This amino acid position is not well conserved in available vertebrate species. In addition, this alteration is predicted to be deleterious by in silico analysis. Based on the available evidence, the clinical significance of this variant remains unclear.

All of Us Research Program, National Institutes of Health
Classification: Uncertain significance for Tuberous sclerosis syndrome. Last evaluated: 2023-02-24. Review status: criteria provided, single submitter. Criteria: ACMG Guidelines, 2015. Collection method: clinical testing. Allele origin: germline. Inheritance: Autosomal dominant inheritance. Observed: 1 variant allele, 1 heterozygote.
Comment: This missense variant replaces aspartic acid with histidine at codon 396 of the TSC2 protein. Computational prediction is inconclusive regarding the impact of this variant on protein structure and function (internally defined REVEL score threshold 0.5 < inconclusive < 0.7, PMID: 27666373). To our knowledge, functional studies have not been reported for this variant. This variant has not been reported in individuals affected with TSC2-related disorders in the literature. This variant has not been identified in the general population by the Genome Aggregation Database (gnomAD). The available evidence is insufficient to determine the role of this variant in disease conclusively. Therefore, this variant is classified as a Variant of Uncertain Significance.

This study involves interpretation of variants in research participants for the purpose of population health screening. Participant phenotype was not available at the time of variant classification. Additional details can be found in publication PMID: 35346344, PMCID: PMC8962531

Labcorp Genetics (formerly Invitae), Labcorp
Classification: Uncertain significance for Tuberous sclerosis 2. Last evaluated: 2022-06-22. Review status: criteria provided, single submitter. Criteria: Invitae Variant Classification Sherloc (09022015). Collection method: clinical testing. Allele origin: germline.
Comment: In summary, the available evidence is currently insufficient to determine the role of this variant in disease. Therefore, it has been classified as a Variant of Uncertain Significance. Advanced modeling of protein sequence and biophysical properties (such as structural, functional, and spatial information, amino acid conservation, physicochemical variation, residue mobility, and thermodynamic stability) performed at Invitae indicates that this missense variant is not expected to disrupt TSC2 protein function. ClinVar contains an entry for this variant (Variation ID: 818533). This variant has not been reported in the literature in individuals affected with TSC2-related conditions. This variant is not present in population databases (gnomAD no frequency). This sequence change replaces aspartic acid, which is acidic and polar, with histidine, which is basic and polar, at codon 396 of the TSC2 protein (p.Asp396His).

NM_000548.5(TSC2):c.1186G>C (p.Asp396His)

Gene: TSC2 (TSC complex subunit 2; plus strand). Cytogenetic location: 16p13.3.
Variant type: single nucleotide variant.
Coding change: c.1186G>C on transcript NM_000548.5 (MANE Select); coding-DNA position 1186, G replaced by C.
Protein change: p.Asp396His; replaces aspartic acid 396 with histidine.
Molecular consequence: missense variant.
Genome position (GRCh38, 1-based): chr16:2,061,937, G>C. VCF-style: chr16-2061937-G-C. GRCh37 (hg19) VCF-style: chr16-2111938-G-C.
Other names: c.1186G>C, p.Asp396His (NM_001077183.3, NM_001114382.3, NM_001363528.2 and 3 more transcripts); c.1075G>C, p.Asp359His (NM_001318827.2); c.1039G>C, p.Asp347His (NM_001318829.2); c.586G>C, p.Asp196His (NM_001318831.2); c.1219G>C, p.Asp407His (NM_001318832.2); short protein forms D396H, D196H, D347H, D359H, D407H.
Identifiers: ClinVar variation 818533 (VCV000818533.11), dbSNP rs1596303501, ClinGen allele CA394320591.
Genomic context (GRCh38, chr16:2,061,937, plus strand): 5'-GACAGCCCGGAGCTCAGGACCATCGTCCATGACCTGTTGACCACGGTGGAGGAGCTGTGT[G>C]ACCAGAACGAGTTCCACGGGTCTCAGGAGAGATACTTTGAACTGGTGGAGAGATGTGCGG-3'
Protein context (NP_000539.2, residues 386-406): DLLTTVEELC[Asp396His]QNEFHGSQER